The following is an entry in ClinVar:

ClinVar aggregate classification (germline): Uncertain significance (1 of 4 stars; one submission).

Submission:

Ambry Genetics
Classification: Uncertain significance. Last evaluated: 2022-08-23. Review status: criteria provided, single submitter. Criteria: Ambry Variant Classification Scheme 2023. Collection method: clinical testing. Allele origin: germline.
Comment: The p.T278S variant (also known as c.832A>T), located in coding exon 3 of the TERF2IP gene, results from an A to T substitution at nucleotide position 832. The threonine at codon 278 is replaced by serine, an amino acid with similar properties. This amino acid position is conserved. In addition, this alteration is predicted to be tolerated by in silico analysis. Since supporting evidence is limited at this time, the clinical significance of this alteration remains unclear.

NM_018975.4(TERF2IP):c.832A>T (p.Thr278Ser)

Gene: TERF2IP (TERF2 interacting protein; plus strand). Cytogenetic location: 16q23.1.
Variant type: single nucleotide variant.
Coding change: c.832A>T on transcript NM_018975.4 (MANE Select); coding-DNA position 832, A replaced by T.
Protein change: p.Thr278Ser; replaces threonine 278 with serine.
Molecular consequence: missense variant. On other transcripts: non-coding transcript variant (1).
Genome position (GRCh38, 1-based): chr16:75,656,243, A>T. VCF-style: chr16-75656243-A-T. GRCh37 (hg19) VCF-style: chr16-75690141-A-T.
Other names: short protein forms T278S.
Identifiers: ClinVar variation 1762951 (VCV001762951.2), dbSNP rs2507089197, ClinGen allele CA396819679.